The following is an entry in ClinVar:

ClinVar aggregate classification (germline): Uncertain significance (1 of 4 stars; one submission).

Allele frequency attached by ClinVar (database versions not stated): ExAC 0.00001.
gnomAD v4.1: 1 of 1,613,856 alleles (0.000062%); highest among the groups gnomAD compares: Non-Finnish European, 0.000085%; no homozygotes.

Submission:

Labcorp Genetics (formerly Invitae), Labcorp
Classification: Uncertain significance. Last evaluated: 2023-07-16. Review status: criteria provided, single submitter. Criteria: Invitae Variant Classification Sherloc (09022015). Collection method: clinical testing. Allele origin: germline.
Comment: In summary, the available evidence is currently insufficient to determine the role of this variant in disease. Therefore, it has been classified as a Variant of Uncertain Significance. Advanced modeling of protein sequence and biophysical properties (such as structural, functional, and spatial information, amino acid conservation, physicochemical variation, residue mobility, and thermodynamic stability) performed at Invitae indicates that this missense variant is not expected to disrupt HPS3 protein function. This variant has not been reported in the literature in individuals affected with HPS3-related conditions. This variant is present in population databases (rs774685745, gnomAD 0.0009%). This sequence change replaces phenylalanine, which is neutral and non-polar, with leucine, which is neutral and non-polar, at codon 879 of the HPS3 protein (p.Phe879Leu).

NM_032383.5(HPS3):c.2637C>A (p.Phe879Leu)

Genes: CP (ceruloplasmin; minus strand), HPS3 (HPS3 biogenesis of lysosomal organelles complex 2 subunit 1; plus strand). Cytogenetic location: 3q24.
Variant type: single nucleotide variant.
Coding change: c.2637C>A on transcript NM_032383.5 (MANE Select); coding-DNA position 2637, C replaced by A.
Protein change: p.Phe879Leu; replaces phenylalanine 879 with leucine.
Molecular consequence: missense variant.
Genome position (GRCh38, 1-based): chr3:149,167,081, C>A. VCF-style: chr3-149167081-C-A. GRCh37 (hg19) VCF-style: chr3-148884868-C-A.
Other names: c.2142C>A, p.Phe714Leu (NM_001308258.2); short protein forms F879L, F714L.
Identifiers: ClinVar variation 2893909 (VCV002893909.1), dbSNP rs774685745, ClinGen allele CA2660428.